The following is an entry in ClinVar:

ClinVar aggregate classification (germline): Likely pathogenic (1 of 4 stars; one submission).

Conditions:
Hereditary cancer-predisposing syndrome. Also called: Neoplastic Syndromes, Hereditary; Tumor predisposition; Hereditary Cancer Syndrome; Hereditary neoplastic syndrome. Identifiers: Orphanet 140162, MedGen C0027672, MeSH D009386, MONDO:0015356.

Submission:

Color Diagnostics, LLC DBA Color Health
Classification: Likely pathogenic for Hereditary cancer-predisposing syndrome. Last evaluated: 2022-08-08. Review status: criteria provided, single submitter. Criteria: ACMG Guidelines, 2015. Collection method: clinical testing. Allele origin: germline.
Comment: This variant causes a deletion of 14 nucleotides that encompasses the last 9 nucleotides of exon 20 and first 5 nucleotides of intron 20. Splice site prediction tools predict that this variant may have a significant impact on RNA splicing. Although this prediction has not been confirmed in published RNA studies, this variant is expected to result in an absent or disrupted protein product. To our knowledge, functional studies have not been reported for this variant nor has this variant been reported in individuals affected with hereditary cancer in the literature. Other canonical splice site variants at this donor site have been reported as disease-causing in ClinVar (variation ID: 55527, 55528, 55529, 125825), reported in individuals affected with breast and/or ovarian cancer (PMID: 16835750, 18512148, 19629752, 26541979, 26997744) and shown to cause out-of-frame splicing (PMID: 23451180, 24667779) and to be defective in a BRCA1 haploid cell proliferation assay (PMID: 30209399). This variant has not been identified in the general population by the Genome Aggregation Database (gnomAD). Loss of BRCA1 function is a known mechanism of disease. Based on the available evidence, this variant is classified as Likely Pathogenic.

Literature cited by the submitters: PubMed 16835750; PubMed 18512148; PubMed 19629752; PubMed 23451180; PubMed 24667779; PubMed 26541979; PubMed 26997744; PubMed 30209399.

NM_007294.4(BRCA1):c.5324_5332+5del

Gene: BRCA1 (BRCA1 DNA repair associated; minus strand). Cytogenetic location: 17q21.31.
Variant type: Deletion.
Coding change: c.5324_5332+5del on transcript NM_007294.4 (MANE Select); coding-DNA position 5324 through 5 bases into the intron after coding-DNA position 5332, 14 bases deleted (TGCCCACAGGTAAG).
Molecular consequence: splice donor variant. On other transcripts: intron variant (2).
Genome position (GRCh38, 1-based): chr17:43,051,058-43,051,071, CTTACCTGTGGGCA deleted on the plus strand (TGCCCACAGGTAAG on the coding strand, the reverse complement: BRCA1 is on the minus strand). VCF-style (leftmost placement, unchanged base first): chr17-43051057-TCTTACCTGTGGGCA-T. GRCh37 (hg19) VCF-style: chr17-41203074-TCTTACCTGTGGGCA-T.
Other names: c.5177_5185+5del (NM_001407846.1, NM_001407850.1, NM_001407848.1 and 12 more transcripts); c.5198_5206+5del (NM_001407670.1, NM_001407940.1, NM_001407671.1 and 10 more transcripts); c.1892_1900+5del (NM_001408431.1, NM_001408430.1, NM_001408425.1 and 4 more transcripts); c.5183_5191+5del (NM_001407726.1, NM_001407728.1, NM_007297.4 and 13 more transcripts); c.1895_1903+5del (NM_001408424.1, NM_001408423.1, NM_001408421.1 and 1 more transcripts); c.1484_1492+5del (NM_001408513.1); c.2006_2014+5del (NM_001408407.1, NM_001408408.1, NM_001408406.1); c.1748_1756+5del (NM_001408503.1, NM_001408504.1, NM_001408502.1); and 74 more.
Identifiers: ClinVar variation 2774825 (VCV002774825.2), dbSNP rs2547484740, ClinGen allele CA2697559964.